The following is an entry in ClinVar:

ClinVar aggregate classification (germline): Uncertain significance (1 of 4 stars; one submission).

Conditions:
Nephrolithiasis/nephrocalcinosis. Identifiers: MedGen CN580796.

gnomAD v4.1: 1 of 1,614,176 alleles (0.000062%); highest among the groups gnomAD compares: Non-Finnish European, 0.000085%; no homozygotes.

Submission:

Ambry Genetics
Classification: Uncertain significance for Nephrolithiasis/nephrocalcinosis. Last evaluated: 2023-04-06. Review status: criteria provided, single submitter. Criteria: Ambry Variant Classification Scheme 2023. Collection method: clinical testing. Allele origin: germline.
Comment: The p.S978T variant (also known as c.2933G>C), located in coding exon 6 of the CASR gene, results from a G to C substitution at nucleotide position 2933. The serine at codon 978 is replaced by threonine, an amino acid with similar properties. This amino acid position is conserved. In addition, this alteration is predicted to be deleterious by in silico analysis. Since supporting evidence is limited at this time, the clinical significance of this alteration remains unclear.

NM_000388.4(CASR):c.2933G>C (p.Ser978Thr)

Gene: CASR (calcium sensing receptor; plus strand). Cytogenetic location: 3q21.1.
Variant type: single nucleotide variant.
Coding change: c.2933G>C on transcript NM_000388.4 (MANE Select); coding-DNA position 2933, G replaced by C.
Protein change: p.Ser978Thr; replaces serine 978 with threonine.
Molecular consequence: missense variant.
Genome position (GRCh38, 1-based): chr3:122,284,887, G>C. VCF-style: chr3-122284887-G-C. GRCh37 (hg19) VCF-style: chr3-122003734-G-C.
Other names: c.2963G>C, p.Ser988Thr (NM_001178065.2); short protein forms S978T, S988T.
Identifiers: ClinVar variation 3231562 (VCV003231562.1), dbSNP rs2473282708, ClinGen allele CA354161086.